The following is an entry in ClinVar:

ClinVar aggregate classification (germline): Uncertain significance (1 of 4 stars; one submission).

Conditions:
Conotruncal heart malformations (CTHM). Also called: Conotruncal heart malformations, variable. Identifiers: Orphanet 2445, Orphanet 3384, Orphanet 3426, MedGen C1857586, MONDO:0016581, OMIM 217095.

Submission:

Labcorp Genetics (formerly Invitae), Labcorp
Classification: Uncertain significance for Conotruncal heart malformations. Last evaluated: 2025-03-18. Review status: criteria provided, single submitter. Criteria: Invitae Variant Classification Sherloc (09022015). Collection method: clinical testing. Allele origin: germline.
Comment: This sequence change replaces alanine, which is neutral and non-polar, with serine, which is neutral and polar, at codon 142 of the NKX2-6 protein (p.Ala142Ser). This variant is not present in population databases (gnomAD no frequency). This variant has not been reported in the literature in individuals affected with NKX2-6-related conditions. Invitae Evidence Modeling of protein sequence and biophysical properties (such as structural, functional, and spatial information, amino acid conservation, physicochemical variation, residue mobility, and thermodynamic stability) indicates that this missense variant is not expected to disrupt NKX2-6 protein function with a negative predictive value of 80%. In summary, the available evidence is currently insufficient to determine the role of this variant in disease. Therefore, it has been classified as a Variant of Uncertain Significance.

NM_001136271.3(NKX2-6):c.424G>T (p.Ala142Ser)

Gene: NKX2-6 (NK2 homeobox 6; minus strand). Cytogenetic location: 8p21.2.
Variant type: single nucleotide variant.
Coding change: c.424G>T on transcript NM_001136271.3 (MANE Select); coding-DNA position 424, G replaced by T.
Protein change: p.Ala142Ser; replaces alanine 142 with serine.
Molecular consequence: missense variant.
Genome position (GRCh38, 1-based): chr8:23,702,933, C>A on the plus strand (G>T on the coding strand, the complement: NKX2-6 is on the minus strand). VCF-style: chr8-23702933-C-A. GRCh37 (hg19) VCF-style: chr8-23560446-C-A.
Other names: short protein forms A142S.
Identifiers: ClinVar variation 4746597 (VCV004746597.1).
Genomic context (GRCh38, chr8:23,702,933, plus strand): 5'-GCTCGGGCGCTGACAGGTACCGCTGCTGCTTGAAGCGCCGCTCCAGGGCCAGCACCTGCG[C>A]CTGCGAAAAGAGCACGCGCGGCTTCCGTCGTTGCCGCGCCTTGGGCTGCTCCGAGCGGCC-3'
Protein context (NP_001129743.2, residues 132-152): RRKPRVLFSQ[Ala142Ser]QVLALERRFK